The following is an entry in ClinVar:

ClinVar aggregate classification (germline): Uncertain significance (1 of 4 stars; one submission).

Conditions:
Inborn genetic diseases. Identifiers: MedGen C0950123, MeSH D030342.

gnomAD v4.1: 1 of 1,613,896 alleles (0.000062%); highest among the groups gnomAD compares: Non-Finnish European, 0.000085%; no homozygotes.

Submission:

Ambry Genetics
Classification: Uncertain significance for Inborn genetic diseases. Last evaluated: 2026-01-14. Review status: criteria provided, single submitter. Criteria: Ambry Variant Classification Scheme 2023. Collection method: clinical testing. Allele origin: germline.
Comment: The p.R463L variant (also known as c.1388G>T), located in coding exon 1 of the SAMD9L gene, results from a G to T substitution at nucleotide position 1388. The arginine at codon 463 is replaced by leucine, an amino acid with dissimilar properties. This amino acid position is conserved. In addition, this alteration is predicted to be tolerated by in silico analysis. Based on the available evidence, the clinical significance of this variant remains unclear.

NM_152703.5(SAMD9L):c.1388G>T (p.Arg463Leu)

Gene: SAMD9L (sterile alpha motif domain containing 9 like; minus strand). Cytogenetic location: 7q21.2.
Variant type: single nucleotide variant.
Coding change: c.1388G>T on transcript NM_152703.5 (MANE Select); coding-DNA position 1388, G replaced by T.
Protein change: p.Arg463Leu; replaces arginine 463 with leucine.
Molecular consequence: missense variant.
Genome position (GRCh38, 1-based): chr7:93,134,584, C>A on the plus strand (G>T on the coding strand, the complement: SAMD9L is on the minus strand). VCF-style: chr7-93134584-C-A. GRCh37 (hg19) VCF-style: chr7-92763897-C-A.
Other names: c.1388G>T, p.Arg463Leu (NM_001303496.3, NM_001303497.3, NM_001303498.3 and 5 more transcripts); short protein forms R463L.
Identifiers: ClinVar variation 4842046 (VCV004842046.1).